The following is an entry in ClinVar:

ClinVar aggregate classification (germline): Uncertain significance. Review status: criteria provided, multiple submitters, no conflicts (2 of 4 stars). 5 submissions from 5 submitters: Uncertain significance (5). Last evaluated 2026-06-01.

Conditions:
Hereditary spastic paraplegia 39 (SPG39). Also called: Spastic Paraplegia Type 39 (SPG39); SPASTIC PARAPLEGIA 39, AUTOSOMAL RECESSIVE. Identifiers: Orphanet 139480, MedGen C2677586, MONDO:0012787, OMIM 612020.

Allele frequency attached by ClinVar (database versions not stated): gnomAD 0.00004; TOPMed 0.00004; ESP Exome Variant Server 0.00031.
gnomAD v4.1: 114 of 1,607,076 alleles (0.0071%); highest among the groups gnomAD compares: Non-Finnish European, 0.0093%; no homozygotes.

Submissions (5):

CeGaT Center for Human Genetics Tuebingen
Classification: Uncertain significance. Last evaluated: 2026-06-01. Review status: criteria provided, single submitter. Criteria: CeGaT Center For Human Genetics Tuebingen Variant Classification Criteria Version 2. Collection method: clinical testing. Allele origin: germline. Affected: yes. Observed: 1 variant allele.
Comment: PNPLA6: PM2

Blueprint Genetics
Classification: Uncertain significance. Last evaluated: 2024-05-31. Review status: criteria provided, single submitter. Criteria: ACMG Guidelines, 2015. Collection method: clinical testing. Allele origin: germline.

GeneDx
Classification: Uncertain significance. Last evaluated: 2024-05-31. Review status: criteria provided, single submitter. Criteria: GeneDx Variant Classification Process June 2021. Collection method: clinical testing. Allele origin: germline. Affected: yes.
Comment: Not observed at significant frequency in large population cohorts (gnomAD); In silico analysis supports that this missense variant has a deleterious effect on protein structure/function; Reported in a patient with limb-girdle muscular dystrophy in published literature; however, a second variant was not identified (PMID: 29970176); This variant is associated with the following publications: (PMID: 29970176)

Labcorp Genetics (formerly Invitae), Labcorp
Classification: Uncertain significance for Hereditary spastic paraplegia 39. Last evaluated: 2022-07-07. Review status: criteria provided, single submitter. Criteria: Invitae Variant Classification Sherloc (09022015). Collection method: clinical testing. Allele origin: germline.
Comment: This sequence change replaces arginine, which is basic and polar, with leucine, which is neutral and non-polar, at codon 369 of the PNPLA6 protein (p.Arg369Leu). This variant is present in population databases (rs150500586, gnomAD 0.01%). This variant has not been reported in the literature in individuals affected with PNPLA6-related conditions. ClinVar contains an entry for this variant (Variation ID: 566946). Algorithms developed to predict the effect of missense changes on protein structure and function (SIFT, PolyPhen-2, Align-GVGD) all suggest that this variant is likely to be disruptive. In summary, the available evidence is currently insufficient to determine the role of this variant in disease. Therefore, it has been classified as a Variant of Uncertain Significance.

Illumina Laboratory Services, Illumina
Classification: Uncertain significance for Hereditary spastic paraplegia 39. Last evaluated: 2018-01-12. Review status: criteria provided, single submitter. Criteria: ICSL Variant Classification Criteria 13 December 2019. Collection method: clinical testing. Allele origin: germline.

NM_001166114.2(PNPLA6):c.1223G>T (p.Arg408Leu)

Gene: PNPLA6 (patatin like domain 6, lysophospholipase; plus strand). Cytogenetic location: 19p13.2.
Variant type: single nucleotide variant.
Coding change: c.1223G>T on transcript NM_001166114.2 (MANE Select); coding-DNA position 1223, G replaced by T.
Protein change: p.Arg408Leu; replaces arginine 408 with leucine.
Molecular consequence: missense variant.
Genome position (GRCh38, 1-based): chr19:7,542,038, G>T. VCF-style: chr19-7542038-G-T. GRCh37 (hg19) VCF-style: chr19-7606924-G-T.
Other names: c.1250G>T, p.Arg417Leu (NM_001166111.2); c.1106G>T, p.Arg369Leu (NM_001166112.2, NM_001166113.1, NM_006702.5); short protein forms R369L, R408L, R417L.
Identifiers: ClinVar variation 566946 (VCV000566946.11), dbSNP rs150500586, ClinGen allele CA9139719.